The following is an entry in ClinVar:

NM_030662.4(MAP2K2):c.706-17C>T

Gene: MAP2K2 (mitogen-activated protein kinase kinase 2; minus strand). Cytogenetic location: 19p13.3.
Variant type: single nucleotide variant.
Coding change: c.706-17C>T on transcript NM_030662.4 (MANE Select); 17 bases into the intron before coding-DNA position 706, C replaced by T.
Molecular consequence: intron variant.
Genome position (GRCh38, 1-based): chr19:4,099,431, G>A on the plus strand (C>T on the coding strand, the complement: MAP2K2 is on the minus strand). VCF-style: chr19-4099431-G-A. GRCh37 (hg19) VCF-style: chr19-4099429-G-A.
Identifiers: ClinVar variation 386212 (VCV000386212.5), dbSNP rs754737193, ClinGen allele CA9090843.
Genomic context (GRCh38, chr19:4,099,431, plus strand): 5'-ATGTCCGACTGCACCGAGTAATGTGTGCCCTGCAACCGCTCCGGCTGCAGCAGAGCCAGG[G>A]AGGAAAGAGCCCAGAGGGGCGAGGATGGCAGCTGGAACCCGGGAGGCTTGCCCCGTTACA-3'

ClinVar aggregate classification (germline): Likely benign. Review status: criteria provided, multiple submitters, no conflicts (2 of 4 stars). 2 submissions from 2 submitters: Likely benign (2). Last evaluated 2026-02-03.

Conditions:
RASopathy. Also called: rasopathies; Noonan spectrum disorder. Identifiers: Orphanet 536391, MedGen C5555857, MONDO:0021060.

Allele frequency attached by ClinVar (database versions not stated): gnomAD below 0.00001 and 0.00001; gnomAD exomes 0.00001 and 0.00005; ExAC 0.00006.

Submissions (2):

Labcorp Genetics (formerly Invitae), Labcorp
Classification: Likely benign for RASopathy. Last evaluated: 2026-02-03. Review status: criteria provided, single submitter. Criteria: Invitae Variant Classification Sherloc (09022015). Collection method: clinical testing. Allele origin: germline.

GeneDx
Classification: Likely benign. Last evaluated: 2016-05-12. Review status: criteria provided, single submitter. Criteria: GeneDx Variant Classification (06012015). Collection method: clinical testing. Allele origin: germline. Affected: yes.
Comment: This variant is considered likely benign or benign based on one or more of the following criteria: it is a conservative change, it occurs at a poorly conserved position in the protein, it is predicted to be benign by multiple in silico algorithms, and/or has population frequency not consistent with disease.